The following is an entry in ClinVar:

ClinVar aggregate classification (germline): Uncertain significance (1 of 4 stars; one submission).

Conditions:
TRRAP-related disorder. Also called: TRRAP-related condition.

Submission:

PreventionGenetics, part of Exact Sciences
Classification: Uncertain significance for TRRAP-related condition. Last evaluated: 2022-09-14. Review status: criteria provided, single submitter. Criteria: ACMG Guidelines, 2015. Collection method: clinical testing. Allele origin: germline.
Comment: The TRRAP c.9139T>A variant is predicted to result in the amino acid substitution p.Phe3047Ile. To our knowledge, this variant has not been reported in the literature or in a large population database, indicating this variant is rare. At this time, the clinical significance of this variant is uncertain due to the absence of conclusive functional and genetic evidence.

NM_001375524.1(TRRAP):c.9214T>A (p.Phe3072Ile)

Gene: TRRAP (transformation/transcription domain associated protein; plus strand). Cytogenetic location: 7q22.1.
Variant type: single nucleotide variant.
Coding change: c.9214T>A on transcript NM_001375524.1 (MANE Select); coding-DNA position 9214, T replaced by A.
Protein change: p.Phe3072Ile; replaces phenylalanine 3072 with isoleucine.
Molecular consequence: missense variant.
Genome position (GRCh38, 1-based): chr7:98,984,284, T>A. VCF-style: chr7-98984284-T-A. GRCh37 (hg19) VCF-style: chr7-98581907-T-A.
Other names: c.9226T>A, p.Phe3076Ile (NM_001244580.2); c.9139T>A, p.Phe3047Ile (NM_003496.4); short protein forms F3047I, F3072I, F3076I.
Identifiers: ClinVar variation 2636343 (VCV002636343.1), dbSNP rs2484977505, ClinGen allele CA368316804.